The following is an entry in ClinVar:

NM_000059.4(BRCA2):c.2621C>T (p.Thr874Ile)

Gene: BRCA2 (BRCA2 DNA repair associated; plus strand). Cytogenetic location: 13q13.1.
Variant type: single nucleotide variant.
Coding change: c.2621C>T on transcript NM_000059.4 (MANE Select); coding-DNA position 2621, C replaced by T.
Protein change: p.Thr874Ile; replaces threonine 874 with isoleucine.
Molecular consequence: missense variant. On other transcripts: non-coding transcript variant (1), intron variant (2).
Genome position (GRCh38, 1-based): chr13:32,336,976, C>T. VCF-style: chr13-32336976-C-T. GRCh37 (hg19) VCF-style: chr13-32911113-C-T.
Other names: c.2621C>T, p.Thr874Ile (NM_001406719.1, NM_001406720.1, NM_001432077.1); c.1909+3589C>T (NM_001406721.1); c.424+5946C>T (NM_001406722.1); short protein forms T874I.
Identifiers: ClinVar variation 4867894 (VCV004867894.1).
Genomic context (GRCh38, chr13:32,336,976, plus strand): 5'-ACACAAATCTAAGAGTAATCCAAAAAAATCAAGAAGAAACTACTTCAATTTCAAAAATAA[C>T]TGTCAATCCAGACTCTGAAGAACTTTTCTCAGACAATGAGAATAATTTTGTCTTCCAAGT-3'
Protein context (NP_000050.3, residues 864-884): QEETTSISKI[Thr874Ile]VNPDSEELFS

ClinVar aggregate classification (germline): Uncertain significance (1 of 4 stars; one submission).

Conditions:
Hereditary cancer-predisposing syndrome. Also called: Neoplastic Syndromes, Hereditary; Tumor predisposition; Hereditary Cancer Syndrome; Hereditary neoplastic syndrome. Identifiers: Orphanet 140162, MedGen C0027672, MeSH D009386, MONDO:0015356.

gnomAD v4.1: 1 of 1,584,332 alleles (0.000063%); highest among the groups gnomAD compares: Non-Finnish European, 0.000085%; no homozygotes.

Submission:

Ambry Genetics
Classification: Uncertain significance for Hereditary cancer-predisposing syndrome. Last evaluated: 2026-06-14. Review status: criteria provided, single submitter. Criteria: Ambry Variant Classification Scheme 2023. Collection method: clinical testing. Allele origin: germline.
Comment: The p.T874I variant (also known as c.2621C>T), located in coding exon 10 of the BRCA2 gene, results from a C to T substitution at nucleotide position 2621. The threonine at codon 874 is replaced by isoleucine, an amino acid with similar properties. This amino acid position is conserved. In addition, this alteration is predicted to be tolerated by in silico analysis. Based on the available evidence, the clinical significance of this variant remains unclear.